The following is an entry in ClinVar:

NM_139318.5(KCNH5):c.846G>T (p.Lys282Asn)

Gene: KCNH5 (potassium voltage-gated channel subfamily H member 5; minus strand). Cytogenetic location: 14q23.2.
Variant type: single nucleotide variant.
Coding change: c.846G>T on transcript NM_139318.5 (MANE Select); coding-DNA position 846, G replaced by T.
Protein change: p.Lys282Asn; replaces lysine 282 with asparagine.
Molecular consequence: missense variant.
Genome position (GRCh38, 1-based): chr14:62,980,968, C>A on the plus strand (G>T on the coding strand, the complement: KCNH5 is on the minus strand). VCF-style: chr14-62980968-C-A. GRCh37 (hg19) VCF-style: chr14-63447686-C-A.
Other names: c.846G>T, p.Lys282Asn (NM_172375.3); short protein forms K282N.
Identifiers: ClinVar variation 3769731 (VCV003769731.1).

ClinVar aggregate classification (germline): Uncertain significance (1 of 4 stars; one submission).

Submission:

GeneDx
Classification: Uncertain significance. Last evaluated: 2024-09-13. Review status: criteria provided, single submitter. Criteria: GeneDx Variant Classification Process June 2021. Collection method: clinical testing. Allele origin: germline. Affected: yes.
Comment: Not observed at significant frequency in large population cohorts (gnomAD); In silico analysis supports that this missense variant has a deleterious effect on protein structure/function; Has not been previously published as pathogenic or benign to our knowledge